The following is an entry in ClinVar:

NM_024548.4(CEP97):c.1094A>G (p.Lys365Arg)

Gene: CEP97 (centrosomal protein 97; plus strand). Cytogenetic location: 3q12.3.
Variant type: single nucleotide variant.
Coding change: c.1094A>G on transcript NM_024548.4 (MANE Select); coding-DNA position 1094, A replaced by G.
Protein change: p.Lys365Arg; replaces lysine 365 with arginine.
Molecular consequence: missense variant. On other transcripts: intron variant (1).
Genome position (GRCh38, 1-based): chr3:101,757,700, A>G. VCF-style: chr3-101757700-A-G. GRCh37 (hg19) VCF-style: chr3-101476544-A-G.
Other names: c.992A>G, p.Lys331Arg (NM_001410784.1); c.1028-111A>G (NM_001303401.2); short protein forms K365R, K331R.
Identifiers: ClinVar variation 2122446 (VCV002122446.4), dbSNP rs2545845529, ClinGen allele CA353876199.

ClinVar aggregate classification (germline): Uncertain significance (1 of 4 stars; one submission).

Allele frequency attached by ClinVar (database versions not stated): gnomAD exomes below 0.00001.
gnomAD v4.1: 2 of 1,614,220 alleles (0.00012%); highest among the groups gnomAD compares: African/African-American, 0.0027%; no homozygotes.

Submission:

Labcorp Genetics (formerly Invitae), Labcorp
Classification: Uncertain significance. Last evaluated: 2025-03-03. Review status: criteria provided, single submitter. Criteria: Invitae Variant Classification Sherloc (09022015). Collection method: clinical testing. Allele origin: germline.
Comment: This sequence change replaces lysine, which is basic and polar, with arginine, which is basic and polar, at codon 365 of the CEP97 protein (p.Lys365Arg). This variant is not present in population databases (gnomAD no frequency). This variant has not been reported in the literature in individuals affected with CEP97-related conditions. ClinVar contains an entry for this variant (Variation ID: 2122446). Invitae Evidence Modeling of protein sequence and biophysical properties (such as structural, functional, and spatial information, amino acid conservation, physicochemical variation, residue mobility, and thermodynamic stability) indicates that this missense variant is not expected to disrupt CEP97 protein function with a negative predictive value of 80%. In summary, the available evidence is currently insufficient to determine the role of this variant in disease. Therefore, it has been classified as a Variant of Uncertain Significance.